The following is an entry in ClinVar:

ClinVar aggregate classification (germline): Uncertain significance (1 of 4 stars; one submission).

Submission:

Labcorp Genetics (formerly Invitae), Labcorp
Classification: Uncertain significance. Last evaluated: 2022-06-27. Review status: criteria provided, single submitter. Criteria: Invitae Variant Classification Sherloc (09022015). Collection method: clinical testing. Allele origin: germline.
Comment: In summary, the available evidence is currently insufficient to determine the role of this variant in disease. Therefore, it has been classified as a Variant of Uncertain Significance. Algorithms developed to predict the effect of missense changes on protein structure and function are either unavailable or do not agree on the potential impact of this missense change (SIFT: "Tolerated"; PolyPhen-2: "Possibly Damaging"; Align-GVGD: "Class C0"). This variant has not been reported in the literature in individuals affected with MME-related conditions. This variant is not present in population databases (gnomAD no frequency). This sequence change replaces glycine, which is neutral and non-polar, with arginine, which is basic and polar, at codon 434 of the MME protein (p.Gly434Arg).

NM_007289.4(MME):c.1300G>A (p.Gly434Arg)

Gene: MME (membrane metalloendopeptidase; plus strand). Cytogenetic location: 3q25.2.
Variant type: single nucleotide variant.
Coding change: c.1300G>A on transcript NM_007289.4 (MANE Select); coding-DNA position 1300, G replaced by A.
Protein change: p.Gly434Arg; replaces glycine 434 with arginine.
Molecular consequence: missense variant.
Genome position (GRCh38, 1-based): chr3:155,143,554, G>A. VCF-style: chr3-155143554-G-A. GRCh37 (hg19) VCF-style: chr3-154861343-G-A.
Other names: c.1300G>A, p.Gly434Arg (NM_000902.5, NM_001354642.2, NM_001354643.1 and 2 more transcripts); short protein forms G434R.
Identifiers: ClinVar variation 1485468 (VCV001485468.8), dbSNP rs866204088, ClinGen allele CA85829838.